The following is an entry in ClinVar:

ClinVar aggregate classification (germline): Uncertain significance. Review status: criteria provided, multiple submitters, no conflicts (2 of 4 stars). 3 submissions from 3 submitters: Uncertain significance (2). 1 of the submissions does not count toward it. Last evaluated 2025-06-07.

Conditions:
Inborn genetic diseases. Identifiers: MedGen C0950123, MeSH D030342.
Nemaline myopathy 2 (NEM2). Also called: Nemaline myopathy 2, autosomal recessive. Identifiers: MedGen C1850569, MONDO:0009725, OMIM 256030.

Allele frequency attached by ClinVar (database versions not stated): gnomAD exomes below 0.00001.

Submissions (3):

Ambry Genetics
Classification: Uncertain significance for Inborn genetic diseases. Last evaluated: 2025-06-07. Review status: criteria provided, single submitter. Criteria: Ambry Variant Classification Scheme 2023. Collection method: clinical testing. Allele origin: germline.

Labcorp Genetics (formerly Invitae), Labcorp
Classification: Uncertain significance for Nemaline myopathy 2. Last evaluated: 2022-02-04. Review status: criteria provided, single submitter. Criteria: Invitae Variant Classification Sherloc (09022015). Collection method: clinical testing. Allele origin: germline.
Comment: This sequence change replaces aspartic acid, which is acidic and polar, with asparagine, which is neutral and polar, at codon 3457 of the NEB protein (p.Asp3457Asn). This variant is present in population databases (no rsID available, gnomAD 0.003%). This variant has not been reported in the literature in individuals affected with NEB-related conditions. Algorithms developed to predict the effect of missense changes on protein structure and function are either unavailable or do not agree on the potential impact of this missense change (SIFT: "Deleterious"; PolyPhen-2: "Not Available"; Align-GVGD: "Class C0"). In summary, the available evidence is currently insufficient to determine the role of this variant in disease. Therefore, it has been classified as a Variant of Uncertain Significance.

Natera, Inc.
Classification: Uncertain significance for Nemaline myopathy type 2. Last evaluated: 2025-02-03. Review status: no assertion criteria provided. Collection method: clinical testing. Allele origin: germline. Not counted in ClinVar's aggregate classification.

NM_001164508.2(NEB):c.10369G>A (p.Asp3457Asn)

Gene: NEB (nebulin; minus strand). Cytogenetic location: 2q23.3.
Variant type: single nucleotide variant.
Coding change: c.10369G>A on transcript NM_001164508.2 (MANE Select); coding-DNA position 10369, G replaced by A.
Protein change: p.Asp3457Asn; replaces aspartic acid 3457 with asparagine.
Molecular consequence: missense variant.
Genome position (GRCh38, 1-based): chr2:151,625,617, C>T on the plus strand (G>A on the coding strand, the complement: NEB is on the minus strand). VCF-style: chr2-151625617-C-T. GRCh37 (hg19) VCF-style: chr2-152482131-C-T.
Other names: c.9640G>A (NM_004543.4); c.10369G>A (NM_001271208.1); c.10369G>A, p.Asp3457Asn (NM_001164507.2, NM_001271208.2); c.9640G>A, p.Asp3214Asn (NM_004543.5); short protein forms D3457N, D3214N.
Identifiers: ClinVar variation 1470922 (VCV001470922.10), dbSNP rs1319060772, ClinGen allele CA348791349.